The following is an entry in ClinVar:

ClinVar aggregate classification (germline): Likely benign. Review status: criteria provided, multiple submitters, no conflicts (2 of 4 stars). 3 submissions from 3 submitters: Likely benign (3). Last evaluated 2025-07-03.

Conditions:
Primary ciliary dyskinesia. Also called: Ciliary dyskinesia. Identifiers: Orphanet 244, MedGen C0008780, MONDO:0016575, HP:0012265.

Allele frequency attached by ClinVar (database versions not stated): gnomAD exomes 0.00001; ExAC 0.00002; TOPMed 0.00002; gnomAD 0.00001.
gnomAD v4.1: 18 of 1,613,974 alleles (0.0011%); highest among the groups gnomAD compares: African/African-American, 0.008%; no homozygotes.

Submissions (3):

Labcorp Genetics (formerly Invitae), Labcorp
Classification: Likely benign for Primary ciliary dyskinesia. Last evaluated: 2025-07-03. Review status: criteria provided, single submitter. Criteria: Invitae Variant Classification Sherloc (09022015). Collection method: clinical testing. Allele origin: germline.

Mayo Clinic Laboratories, Mayo Clinic
Classification: Likely benign. Last evaluated: 2025-01-15. Review status: criteria provided, single submitter. Criteria: ACMG Guidelines, 2015. Collection method: clinical testing. Allele origin: germline. Observed: 1 variant allele.
Comment: BP4, BP7

Blueprint Genetics
Classification: Likely benign. Last evaluated: 2024-05-02. Review status: criteria provided, single submitter. Criteria: ACMG Guidelines, 2015. Collection method: clinical testing. Allele origin: germline.

NM_001369.3(DNAH5):c.12453C>T (p.Asn4151=)

Gene: DNAH5 (dynein axonemal heavy chain 5; minus strand). Cytogenetic location: 5p15.2.
Variant type: single nucleotide variant.
Coding change: c.12453C>T on transcript NM_001369.3 (MANE Select); coding-DNA position 12453, C replaced by T.
Protein change: p.Asn4151=; no amino-acid change (asparagine 4151 retained).
Molecular consequence: synonymous variant.
Genome position (GRCh38, 1-based): chr5:13,718,928, G>A on the plus strand (C>T on the coding strand, the complement: DNAH5 is on the minus strand). VCF-style: chr5-13718928-G-A. GRCh37 (hg19) VCF-style: chr5-13719037-G-A.
Other names: p.Asn4151=.
Identifiers: ClinVar variation 698797 (VCV000698797.13), dbSNP rs764777394, ClinGen allele CA3201638.